The following is an entry in ClinVar:

ClinVar aggregate classification (germline): Pathogenic (1 of 4 stars; one submission).

Conditions:
Familial cancer of breast. Also called: hereditary breast carcinoma; BREAST CANCER, FAMILIAL; Hereditary breast cancer. Identifiers: Orphanet 227535, MedGen C0346153, MONDO:0016419, OMIM 114480. Disease mechanism: loss of function.

Submission:

Myriad Genetics, Inc.
Classification: Pathogenic for Familial cancer of breast. Last evaluated: 2024-01-29. Review status: criteria provided, single submitter. Criteria: Myriad Autosomal Dominant, Autosomal Recessive and X-Linked Classification Criteria (2023). Collection method: clinical testing. Allele origin: unknown.
Comment: This variant is considered pathogenic. This variant creates a frameshift predicted to result in premature protein truncation.

NM_000051.4(ATM):c.6513del (p.Thr2172fs)

Genes: ATM (ATM serine/threonine kinase; plus strand), C11orf65 (chromosome 11 open reading frame 65; minus strand). Cytogenetic location: 11q22.3.
Variant type: Deletion.
Coding change: c.6513del on transcript NM_000051.4 (MANE Select); coding-DNA position 6513, one base deleted (C; older notation c.6513delC).
Protein change: p.Thr2172fs; shifts the reading frame from threonine 2172.
Molecular consequence: frameshift variant. On other transcripts: intron variant (2).
Genome position (GRCh38, 1-based): chr11:108,321,361, C deleted; the last of 3 consecutive C bases (chr11:108,321,359-108,321,361); deleting any one gives the same sequence. VCF-style (leftmost placement, unchanged base first): chr11-108321358-TC-T. GRCh37 (hg19) VCF-style: chr11-108192085-TC-T.
Other names: c.6513del, p.Thr2172fs (NM_001351834.2); c.641-12288del (NM_001330368.2); c.*39-12288del (NM_001351110.2); short protein forms T2172fs.
Identifiers: ClinVar variation 3148204 (VCV003148204.1), dbSNP rs2136240561, ClinGen allele CA2725222260.